The following is an entry in ClinVar:

NM_002157.3(HSPE1):c.138A>G (p.Val46=)

Genes: HSPE1 (heat shock protein family E (Hsp10) member 1; plus strand), HSPE1-MOB4 (HSPE1-MOB4 readthrough; plus strand). Cytogenetic location: 2q33.1.
Variant type: single nucleotide variant.
Coding change: c.138A>G on transcript NM_002157.3 (MANE Select); coding-DNA position 138, A replaced by G.
Protein change: p.Val46=; no amino-acid change (valine 46 retained).
Molecular consequence: synonymous variant.
Genome position (GRCh38, 1-based): chr2:197,501,208, A>G. VCF-style: chr2-197501208-A-G. GRCh37 (hg19) VCF-style: chr2-198365932-A-G.
Other names: c.138A>G, p.Val46= (NM_001202485.2).
Identifiers: ClinVar variation 4821304 (VCV004821304.4).

ClinVar aggregate classification (germline): Likely benign (1 of 4 stars; one submission).

Submission:

CeGaT Center for Human Genetics Tuebingen
Classification: Likely benign. Last evaluated: 2026-02-01. Review status: criteria provided, single submitter. Criteria: CeGaT Center For Human Genetics Tuebingen Variant Classification Criteria Version 2. Collection method: clinical testing. Allele origin: germline. Affected: yes. Observed: 2 variant alleles.
Comment: HSPE1: BP4, BP7, BS2; HSPE1-MOB4: BP4, BP7, BS2